The following is an entry in ClinVar:

ClinVar aggregate classification (germline): Uncertain significance (1 of 4 stars; one submission).

Conditions:
CEP290-related ciliopathy. Also called: CEP290 ciliopathy. Identifiers: MedGen CN305601, MONDO:0100451.

gnomAD v4.1: 30 of 1,607,462 alleles (0.0019%); highest among the groups gnomAD compares: Non-Finnish European, 0.0024%; no homozygotes.

Submission:

Myriad Genetics, Inc.
Classification: Uncertain significance for CEP290-related ciliopathy. Last evaluated: 2026-06-27. Review status: criteria provided, single submitter. Criteria: Myriad Autosomal Dominant, Autosomal Recessive and X-Linked Classification Criteria (2023). Collection method: clinical testing. Allele origin: unknown.
Comment: NM_025114.3(CEP290):c.95T>C(L32S) is a missense variant classified as a variant of uncertain significance in the context of CEP290-related disorders. L32S has been observed in a case with relevant disease (PMID: 23188109). Relevant functional assessments of this variant are not available in the literature. L32S has been observed in referenced population frequency databases. In summary, there is insufficient evidence to classify NM_025114.3(CEP290):c.95T>C(L32S) as pathogenic or benign. Please note: this variant was assessed in the context of healthy population screening.

Literature cited by the submitters: PubMed 23188109.

NM_025114.4(CEP290):c.95T>C (p.Leu32Ser)

Gene: CEP290 (centrosomal protein 290; minus strand). Cytogenetic location: 12q21.32.
Variant type: single nucleotide variant.
Coding change: c.95T>C on transcript NM_025114.4 (MANE Select); coding-DNA position 95, T replaced by C.
Protein change: p.Leu32Ser; replaces leucine 32 with serine.
Molecular consequence: missense variant.
Genome position (GRCh38, 1-based): chr12:88,141,213, A>G on the plus strand (T>C on the coding strand, the complement: CEP290 is on the minus strand). VCF-style: chr12-88141213-A-G. GRCh37 (hg19) VCF-style: chr12-88534990-A-G.
Other names: short protein forms L32S.
Identifiers: ClinVar variation 5004037 (VCV005004037.1).